The following is an entry in ClinVar:

ClinVar aggregate classification (germline): Uncertain significance (1 of 4 stars; one submission).

Conditions:
Inborn genetic diseases. Identifiers: MedGen C0950123, MeSH D030342.

Submission:

Ambry Genetics
Classification: Uncertain significance for Inborn genetic diseases. Last evaluated: 2025-09-16. Review status: criteria provided, single submitter. Criteria: Ambry Variant Classification Scheme 2023. Collection method: clinical testing. Allele origin: germline.
Comment: The p.R517G variant (also known as c.1549C>G), located in coding exon 16 of the FANCA gene, results from a C to G substitution at nucleotide position 1549. The arginine at codon 517 is replaced by glycine, an amino acid with dissimilar properties. This amino acid position is conserved. In addition, this alteration is predicted to be deleterious by in silico analysis. Based on the available evidence, the clinical significance of this variant remains unclear.

NM_000135.4(FANCA):c.1549C>G (p.Arg517Gly)

Gene: FANCA (FA complementation group A; minus strand). Cytogenetic location: 16q24.3.
Variant type: single nucleotide variant.
Coding change: c.1549C>G on transcript NM_000135.4 (MANE Select); coding-DNA position 1549, C replaced by G.
Protein change: p.Arg517Gly; replaces arginine 517 with glycine.
Molecular consequence: missense variant.
Genome position (GRCh38, 1-based): chr16:89,783,024, G>C on the plus strand (C>G on the coding strand, the complement: FANCA is on the minus strand). VCF-style: chr16-89783024-G-C. GRCh37 (hg19) VCF-style: chr16-89849432-G-C.
Other names: c.1549C>G, p.Arg517Gly (NM_001286167.3); short protein forms R517G.
Identifiers: ClinVar variation 4619143 (VCV004619143.1).